The following is an entry in ClinVar:

NM_199355.4(ADAMTS18):c.2342A>T (p.Glu781Val)

Gene: ADAMTS18 (ADAM metallopeptidase with thrombospondin type 1 motif 18; minus strand). Cytogenetic location: 16q23.1.
Variant type: single nucleotide variant.
Coding change: c.2342A>T on transcript NM_199355.4 (MANE Select); coding-DNA position 2342, A replaced by T.
Protein change: p.Glu781Val; replaces glutamic acid 781 with valine.
Molecular consequence: missense variant.
Genome position (GRCh38, 1-based): chr16:77,320,039, T>A on the plus strand (A>T on the coding strand, the complement: ADAMTS18 is on the minus strand). VCF-style: chr16-77320039-T-A. GRCh37 (hg19) VCF-style: chr16-77353936-T-A.
Other names: c.1826A>T, p.Glu609Val (NM_001326358.2); short protein forms E609V, E781V.
Identifiers: ClinVar variation 1397652 (VCV001397652.6), dbSNP rs780103960, ClinGen allele CA8180944.

ClinVar aggregate classification (germline): Uncertain significance (1 of 4 stars; one submission).

Allele frequency attached by ClinVar (database versions not stated): TOPMed below 0.00001; ExAC 0.00001; gnomAD exomes 0.00001 and 0.00002.
gnomAD v4.1: 11 of 1,614,136 alleles (0.00068%); highest among the groups gnomAD compares: Non-Finnish European, 0.000085%; no homozygotes.

Submission:

Labcorp Genetics (formerly Invitae), Labcorp
Classification: Uncertain significance. Last evaluated: 2020-12-16. Review status: criteria provided, single submitter. Criteria: Invitae Variant Classification Sherloc (09022015). Collection method: clinical testing. Allele origin: germline.
Comment: In summary, the available evidence is currently insufficient to determine the role of this variant in disease. Therefore, it has been classified as a Variant of Uncertain Significance. Algorithms developed to predict the effect of missense changes on protein structure and function are either unavailable or do not agree on the potential impact of this missense change (SIFT: "Not Available"; PolyPhen-2: "Probably Damaging"; Align-GVGD: "Not Available"). This variant has not been reported in the literature in individuals with ADAMTS18-related conditions. This variant is present in population databases (rs780103960, ExAC 0.001%). This sequence change replaces glutamic acid with valine at codon 781 of the ADAMTS18 protein (p.Glu781Val). The glutamic acid residue is highly conserved and there is a moderate physicochemical difference between glutamic acid and valine.